The following is an entry in ClinVar:

ClinVar aggregate classification (germline): Uncertain significance (1 of 4 stars; one submission).

Conditions:
Multiple endocrine neoplasia, type 2 (MEN2). Identifiers: Orphanet 653, MedGen C4048306, MONDO:0019003. Disease mechanism: gain of function.

Submission:

Labcorp Genetics (formerly Invitae), Labcorp
Classification: Uncertain significance for Multiple endocrine neoplasia, type 2. Last evaluated: 2024-03-06. Review status: criteria provided, single submitter. Criteria: Invitae Variant Classification Sherloc (09022015). Collection method: clinical testing. Allele origin: germline.
Comment: This sequence change replaces glycine, which is neutral and non-polar, with aspartic acid, which is acidic and polar, at codon 209 of the RET protein (p.Gly209Asp). This variant is not present in population databases (gnomAD no frequency). This variant has not been reported in the literature in individuals affected with RET-related conditions. ClinVar contains an entry for this variant (Variation ID: 937572). Algorithms developed to predict the effect of missense changes on protein structure and function output the following: SIFT: "Not Available"; PolyPhen-2: "Possibly Damaging"; Align-GVGD: "Not Available". The aspartic acid amino acid residue is found in multiple mammalian species, which suggests that this missense change does not adversely affect protein function. Algorithms developed to predict the effect of sequence changes on RNA splicing suggest that this variant may disrupt the consensus splice site. In summary, the available evidence is currently insufficient to determine the role of this variant in disease. Therefore, it has been classified as a Variant of Uncertain Significance.

NM_020975.6(RET):c.626G>A (p.Gly209Asp)

Gene: RET (ret proto-oncogene; plus strand). Cytogenetic location: 10q11.21.
Variant type: single nucleotide variant.
Coding change: c.626G>A on transcript NM_020975.6 (MANE Select); coding-DNA position 626, G replaced by A.
Protein change: p.Gly209Asp; replaces glycine 209 with aspartic acid.
Molecular consequence: missense variant.
Genome position (GRCh38, 1-based): chr10:43,104,952, G>A. VCF-style: chr10-43104952-G-A. GRCh37 (hg19) VCF-style: chr10-43600400-G-A.
Other names: c.626G>A, p.Gly209Asp (NM_000323.2, NM_001406743.1, NM_001406744.1 and 8 more transcripts); c.-137G>A (NM_001355216.2); c.497G>A, p.Gly166Asp (NM_001406761.1, NM_001406762.1, NM_001406764.1 and 2 more transcripts); c.338G>A, p.Ser113Asn (NM_001406766.1, NM_001406767.1, NM_001406770.1); short protein forms G209D, S113N, G166D.
Identifiers: ClinVar variation 937572 (VCV000937572.10), dbSNP rs1837727267, ClinGen allele CA376544250.